The following is an entry in ClinVar:

ClinVar aggregate classification (germline): Uncertain significance. Review status: criteria provided, multiple submitters, no conflicts (2 of 4 stars). 2 submissions from 2 submitters: Uncertain significance (2). Last evaluated 2025-12-15.

Conditions:
Inborn genetic diseases. Identifiers: MedGen C0950123, MeSH D030342.

Allele frequency attached by ClinVar (database versions not stated): gnomAD 0.00001.
gnomAD v4.1: 33 of 1,609,926 alleles (0.002%); highest among the groups gnomAD compares: Middle Eastern, 0.049%; no homozygotes.

Submissions (2):

Ambry Genetics
Classification: Uncertain significance for Inborn genetic diseases. Last evaluated: 2025-12-15. Review status: criteria provided, single submitter. Criteria: Ambry Variant Classification Scheme 2023. Collection method: clinical testing. Allele origin: germline.

Labcorp Genetics (formerly Invitae), Labcorp
Classification: Uncertain significance. Last evaluated: 2022-02-02. Review status: criteria provided, single submitter. Criteria: Invitae Variant Classification Sherloc (09022015). Collection method: clinical testing. Allele origin: germline.
Comment: In summary, the available evidence is currently insufficient to determine the role of this variant in disease. Therefore, it has been classified as a Variant of Uncertain Significance. Algorithms developed to predict the effect of missense changes on protein structure and function output the following: SIFT: "Tolerated"; PolyPhen-2: "Benign"; Align-GVGD: "Class C0". The cysteine amino acid residue is found in multiple mammalian species, which suggests that this missense change does not adversely affect protein function. This variant has not been reported in the literature in individuals affected with LSS-related conditions. The frequency data for this variant in the population databases is considered unreliable, as metrics indicate poor data quality at this position in the gnomAD database. This sequence change replaces arginine, which is basic and polar, with cysteine, which is neutral and slightly polar, at codon 547 of the LSS protein (p.Arg547Cys).

NM_002340.6(LSS):c.1639C>T (p.Arg547Cys)

Gene: LSS (lanosterol synthase; minus strand). Cytogenetic location: 21q22.3.
Variant type: single nucleotide variant.
Coding change: c.1639C>T on transcript NM_002340.6 (MANE Select); coding-DNA position 1639, C replaced by T.
Protein change: p.Arg547Cys; replaces arginine 547 with cysteine.
Molecular consequence: missense variant.
Genome position (GRCh38, 1-based): chr21:46,205,867, G>A on the plus strand (C>T on the coding strand, the complement: LSS is on the minus strand). VCF-style: chr21-46205867-G-A. GRCh37 (hg19) VCF-style: chr21-47625781-G-A.
Other names: c.1639C>T (NM_002340.5); c.1639C>T, p.Arg547Cys (NM_001001438.3); c.1606C>T, p.Arg536Cys (NM_001145436.2); c.1399C>T, p.Arg467Cys (NM_001145437.2); short protein forms R547C, R536C, R467C.
Identifiers: ClinVar variation 1914857 (VCV001914857.6), dbSNP rs967498924, ClinGen allele CA321994648.
Genomic context (GRCh38, chr21:46,205,867, plus strand): 5'-CCACACTGAATGGCTGAGACCCTCCTTACCGGATCTCCGCTGCCCTGTGCTCCGGGAAAC[G>A]CTTGTGGAAATACTTAAGCGCCTGCATCACGGCTGAGGTGCACTCCACATAGGTGTAGTC-3'
Protein context (NP_002331.3, residues 537-557): VMQALKYFHK[Arg547Cys]FPEHRAAEIR